The following is an entry in ClinVar:

NM_014049.5(ACAD9):c.1223G>C (p.Arg408Thr)

Gene: ACAD9 (acyl-CoA dehydrogenase family member 9; plus strand). Cytogenetic location: 3q21.3.
Variant type: single nucleotide variant.
Coding change: c.1223G>C on transcript NM_014049.5 (MANE Select); coding-DNA position 1223, G replaced by C.
Protein change: p.Arg408Thr; replaces arginine 408 with threonine.
Molecular consequence: missense variant. On other transcripts: non-coding transcript variant (1).
Genome position (GRCh38, 1-based): chr3:128,906,194, G>C. VCF-style: chr3-128906194-G-C. GRCh37 (hg19) VCF-style: chr3-128625037-G-C.
Other names: p.R408T:AGG>ACG; short protein forms R408T.
Identifiers: ClinVar variation 213991 (VCV000213991.2), dbSNP rs863223871, ClinGen allele CA324211.

ClinVar aggregate classification (germline): Conflicting classifications of pathogenicity. Review status: criteria provided, conflicting classifications (1 of 4 stars). 2 submissions from 2 submitters: Uncertain significance (1); Likely benign (1). Last evaluated 2025-03-20.

Conditions:
Inborn genetic diseases. Identifiers: MedGen C0950123, MeSH D030342.

Allele frequency attached by ClinVar (database versions not stated): gnomAD exomes below 0.00001; gnomAD 0.00003.
gnomAD v4.1: 2 of 1,614,220 alleles (0.00012%); highest among the groups gnomAD compares: Non-Finnish European, 0.00017%; no homozygotes.

Submissions (2):

Ambry Genetics
Classification: Uncertain significance for Inborn genetic diseases. Last evaluated: 2025-03-20. Review status: criteria provided, single submitter. Criteria: Ambry Variant Classification Scheme 2023. Collection method: clinical testing. Allele origin: germline.

GeneDx
Classification: Likely benign. Last evaluated: 2014-06-17. Review status: criteria provided, single submitter. Criteria: GeneDx Variant Classification (06012015). Collection method: clinical testing. Allele origin: germline. Affected: yes.
Comment: This variant is considered likely benign or benign based on one or more of the following criteria: it is a conservative change, it occurs at a poorly conserved position in the protein, it is predicted to be benign by multiple in silico algorithms, and/or has population frequency not consistent with disease.